The following is an entry in ClinVar:

NM_006031.6(PCNT):c.1797A>C (p.Glu599Asp)

Gene: PCNT (pericentrin; plus strand). Cytogenetic location: 21q22.3.
Variant type: single nucleotide variant.
Coding change: c.1797A>C on transcript NM_006031.6 (MANE Select); coding-DNA position 1797, A replaced by C.
Protein change: p.Glu599Asp; replaces glutamic acid 599 with aspartic acid.
Molecular consequence: missense variant.
Genome position (GRCh38, 1-based): chr21:46,355,487, A>C. VCF-style: chr21-46355487-A-C. GRCh37 (hg19) VCF-style: chr21-47775402-A-C.
Other names: c.1443A>C, p.Glu481Asp (NM_001315529.2); short protein forms E481D, E599D.
Identifiers: ClinVar variation 4133320 (VCV004133320.2).

ClinVar aggregate classification (germline): Uncertain significance. Review status: criteria provided, multiple submitters, no conflicts (2 of 4 stars). 2 submissions from 2 submitters: Uncertain significance (2). Last evaluated 2026-08-03.

Conditions:
PCNT-related disorder. Also called: PCNT-related condition.
Inborn genetic diseases. Identifiers: MedGen C0950123, MeSH D030342.

gnomAD v4.1: 38 of 1,614,086 alleles (0.0024%); highest among the groups gnomAD compares: Non-Finnish European, 0.0031%; no homozygotes.

Submissions (2):

PreventionGenetics, part of Exact Sciences
Classification: Uncertain significance for PCNT-related condition. Last evaluated: 2026-08-03. Review status: criteria provided, single submitter. Criteria: ACMG Guidelines, 2015. Collection method: clinical testing. Allele origin: germline.
Comment: The PCNT c.1797A>C variant is predicted to result in the amino acid substitution p.Glu599Asp. To our knowledge, this variant has not been reported in the literature. This variant is reported in 0.0018% of alleles in individuals of European (Non-Finnish) descent in gnomAD. At this time, the clinical significance of this variant is uncertain due to the absence of conclusive functional and genetic evidence.

Ambry Genetics
Classification: Uncertain significance for Inborn genetic diseases. Last evaluated: 2025-08-31. Review status: criteria provided, single submitter. Criteria: Ambry Variant Classification Scheme 2023. Collection method: clinical testing. Allele origin: germline.